The following is an entry in ClinVar:

NM_004667.6(HERC2):c.7941C>A (p.Val2647=)

Gene: HERC2 (HECT and RLD domain containing E3 ubiquitin protein ligase 2; minus strand). Cytogenetic location: 15q13.1.
Variant type: single nucleotide variant.
Coding change: c.7941C>A on transcript NM_004667.6 (MANE Select); coding-DNA position 7941, C replaced by A.
Protein change: p.Val2647=; no amino-acid change (valine 2647 retained).
Molecular consequence: synonymous variant.
Genome position (GRCh38, 1-based): chr15:28,198,448, G>T on the plus strand (C>A on the coding strand, the complement: HERC2 is on the minus strand). VCF-style: chr15-28198448-G-T. GRCh37 (hg19) VCF-style: chr15-28443594-G-T.
Identifiers: ClinVar variation 1315633 (VCV001315633.2), dbSNP rs2140315249, ClinGen allele CA488968057.

ClinVar aggregate classification (germline): Uncertain significance (1 of 4 stars; one submission).

Submission:

GeneDx
Classification: Uncertain significance. Last evaluated: 2019-05-02. Review status: criteria provided, single submitter. Criteria: GeneDx Variant Classification Process June 2021. Collection method: clinical testing. Allele origin: germline. Affected: yes.
Comment: Represents a synonymous amino acid substitution; In silico analysis, which includes splice predictors and evolutionary conservation, supports a deleterious effect. However, in the absence of RNA/functional studies, the actual effect of this sequence change in this individual is unknown.; Not observed in large population cohorts (Lek et al., 2016); Has not been previously published as pathogenic or benign to our knowledge